The following is an entry in ClinVar:

ClinVar aggregate classification (germline): Uncertain significance. Review status: criteria provided, multiple submitters, no conflicts (2 of 4 stars). 3 submissions from 3 submitters: Uncertain significance (3). Last evaluated 2025-10-01.

Conditions:
Inborn genetic diseases. Identifiers: MedGen C0950123, MeSH D030342.

Allele frequency attached by ClinVar (database versions not stated): gnomAD 0.00006 and 0.00007.

Submissions (3):

Labcorp Genetics (formerly Invitae), Labcorp
Classification: Uncertain significance. Last evaluated: 2025-10-01. Review status: criteria provided, single submitter. Criteria: Invitae Variant Classification Sherloc (09022015). Collection method: clinical testing. Allele origin: germline.
Comment: This sequence change replaces alanine, which is neutral and non-polar, with threonine, which is neutral and polar, at codon 1869 of the DNAH9 protein (p.Ala1869Thr). This variant is present in population databases (rs574060515, gnomAD 0.04%). This variant has not been reported in the literature in individuals affected with DNAH9-related conditions. ClinVar contains an entry for this variant (Variation ID: 1474204). Invitae Evidence Modeling of protein sequence and biophysical properties (such as structural, functional, and spatial information, amino acid conservation, physicochemical variation, residue mobility, and thermodynamic stability) indicates that this missense variant is not expected to disrupt DNAH9 protein function with a negative predictive value of 80%. In summary, the available evidence is currently insufficient to determine the role of this variant in disease. Therefore, it has been classified as a Variant of Uncertain Significance.

Blueprint Genetics
Classification: Uncertain significance. Last evaluated: 2024-07-17. Review status: criteria provided, single submitter. Criteria: ACMG Guidelines, 2015. Collection method: clinical testing. Allele origin: germline.

Ambry Genetics
Classification: Uncertain significance for Inborn genetic diseases. Last evaluated: 2021-08-16. Review status: criteria provided, single submitter. Criteria: Ambry Variant Classification Scheme 2023. Collection method: clinical testing. Allele origin: germline.

NM_001372.4(DNAH9):c.5605G>A (p.Ala1869Thr)

Gene: DNAH9 (dynein axonemal heavy chain 9; plus strand). Cytogenetic location: 17p12.
Variant type: single nucleotide variant.
Coding change: c.5605G>A on transcript NM_001372.4 (MANE Select); coding-DNA position 5605, G replaced by A.
Protein change: p.Ala1869Thr; replaces alanine 1869 with threonine.
Molecular consequence: missense variant.
Genome position (GRCh38, 1-based): chr17:11,719,386, G>A. VCF-style: chr17-11719386-G-A. GRCh37 (hg19) VCF-style: chr17-11622703-G-A.
Other names: c.5605G>A (NM_001372.3); short protein forms A1869T.
Identifiers: ClinVar variation 1474204 (VCV001474204.8), dbSNP rs574060515, ClinGen allele CA8396051.